The following is an entry in ClinVar:

ClinVar aggregate classification (germline): Benign/Likely benign. Review status: criteria provided, multiple submitters, no conflicts (2 of 4 stars). 4 submissions from 3 submitters: Benign (2); Likely benign (1). 1 of the submissions does not count toward it. Last evaluated 2022-06-04.

Conditions:
Leukodystrophy, hypomyelinating, 6. Also called: LEUKODYSTROPHY, HYPOMYELINATING, WITH ATROPHY OF THE BASAL GANGLIA AND CEREBELLUM; TUBB4A-Associated Leukodystrophy; Hypomyelination with Atrophy of Basal Ganglia and Cerebellum (H-ABC). Identifiers: Orphanet 139441, MedGen C2676244, MONDO:0012905, OMIM 612438.
Torsion dystonia 4. Also called: DYT-TUBB4A (Autosomal Dominant Torsion Dystonia); DYSTONIA MUSCULORUM DEFORMANS 4. Identifiers: Orphanet 98805, MedGen C1851943, MONDO:0007493, OMIM 128101.
TUBB4A-related disorder. Also called: TUBB4A-related condition.

Allele frequency attached by ClinVar (database versions not stated): gnomAD 0.00001 and 0.00005; TOPMed 0.00003; gnomAD exomes 0.00005 and 0.00012; ExAC 0.00018; 1000 Genomes Project 0.00020; 1000 Genomes Project 30x 0.00031.
gnomAD v4.1: 75 of 1,614,128 alleles (0.0046%); highest among the groups gnomAD compares: South Asian, 0.051%; no homozygotes.

Submissions (4):

Labcorp Genetics (formerly Invitae), Labcorp
Classification: Likely benign for Leukodystrophy, hypomyelinating, 6. Last evaluated: 2022-06-04. Review status: criteria provided, single submitter. Criteria: Invitae Variant Classification Sherloc (09022015). Collection method: clinical testing. Allele origin: germline.

Illumina Laboratory Services, Illumina
Classification: Benign for Leukodystrophy, hypomyelinating, 6. Last evaluated: 2018-01-13. Review status: criteria provided, single submitter. Criteria: ICSL Variant Classification Criteria 13 December 2019. Collection method: clinical testing. Allele origin: germline.
Comment: This variant was observed in the ICSL laboratory as part of a predisposition screen in an ostensibly healthy population. It had not been previously curated by ICSL or reported in the Human Gene Mutation Database (HGMD: prior to June 1st, 2018), and was therefore a candidate for classification through an automated scoring system. Utilizing variant allele frequency, disease prevalence and penetrance estimates, and inheritance mode, an automated score was calculated to assess if this variant is too frequent to cause the disease. Based on the score and internal cut-off values, a variant classified as benign is not then subjected to further curation. The score for this variant resulted in a classification of benign for this disease.

Illumina Laboratory Services, Illumina
Classification: Benign for Torsion dystonia 4. Last evaluated: 2018-01-13. Review status: criteria provided, single submitter. Criteria: ICSL Variant Classification Criteria 13 December 2019. Collection method: clinical testing. Allele origin: germline.
Comment: the same text as in the submission from Illumina Laboratory Services, Illumina above.

PreventionGenetics, part of Exact Sciences
Classification: Likely benign for TUBB4A-related condition. Last evaluated: 2024-06-16. Review status: no assertion criteria provided. Collection method: clinical testing. Allele origin: germline. Not counted in ClinVar's aggregate classification.
Comment: This variant is classified as likely benign based on ACMG/AMP sequence variant interpretation guidelines (Richards et al. 2015 PMID: 25741868, with internal and published modifications).

NM_006087.4(TUBB4A):c.210C>T (p.Pro70=)

Gene: TUBB4A (tubulin beta 4A class IVa; minus strand). Cytogenetic location: 19p13.3.
Variant type: single nucleotide variant.
Coding change: c.210C>T on transcript NM_006087.4 (MANE Select); coding-DNA position 210, C replaced by T.
Protein change: p.Pro70=; no amino-acid change (proline 70 retained).
Molecular consequence: synonymous variant. On other transcripts: 5 prime UTR variant (2).
Genome position (GRCh38, 1-based): chr19:6,501,354, G>A on the plus strand (C>T on the coding strand, the complement: TUBB4A is on the minus strand). VCF-style: chr19-6501354-G-A. GRCh37 (hg19) VCF-style: chr19-6501365-G-A.
Other names: c.363C>T, p.Pro121= (NM_001289123.2); c.345C>T, p.Pro115= (NM_001289127.2); c.210C>T, p.Pro70= (NM_001289129.2); c.-7C>T (NM_001289130.2, NM_001289131.2); c.210C>T (NM_006087.3).
Identifiers: ClinVar variation 330266 (VCV000330266.10), dbSNP rs557747150, ClinGen allele CA9127434.